The following is an entry in ClinVar:

NM_004815.4(ARHGAP29):c.1726A>G (p.Met576Val)

Gene: ARHGAP29 (Rho GTPase activating protein 29; minus strand). Cytogenetic location: 1p22.1.
Variant type: single nucleotide variant.
Coding change: c.1726A>G on transcript NM_004815.4 (MANE Select); coding-DNA position 1726, A replaced by G.
Protein change: p.Met576Val; replaces methionine 576 with valine.
Molecular consequence: missense variant.
Genome position (GRCh38, 1-based): chr1:94,186,553, T>C on the plus strand (A>G on the coding strand, the complement: ARHGAP29 is on the minus strand). VCF-style: chr1-94186553-T-C. GRCh37 (hg19) VCF-style: chr1-94652109-T-C.
Other names: c.1726A>G, p.Met576Val (NM_001328664.2); c.1534A>G, p.Met512Val (NM_001328665.2, NM_001328667.2); c.1699A>G, p.Met567Val (NM_001328666.2); short protein forms M512V, M567V, M576V.
Identifiers: ClinVar variation 3364911 (VCV003364911.1).

ClinVar aggregate classification (germline): Uncertain significance (1 of 4 stars; one submission).

gnomAD v4.1: 138 of 1,613,824 alleles (0.0086%); highest among the groups gnomAD compares: Non-Finnish European, 0.011%; no homozygotes.

Submission:

GeneDx
Classification: Uncertain significance. Last evaluated: 2023-12-03. Review status: criteria provided, single submitter. Criteria: GeneDx Variant Classification Process June 2021. Collection method: clinical testing. Allele origin: germline. Affected: yes.
Comment: In silico analysis supports that this missense variant has a deleterious effect on protein structure/function; Has not been previously published as pathogenic or benign to our knowledge